The following is an entry in ClinVar:

NM_172107.4(KCNQ2):c.330dup (p.Val111fs)

Gene: KCNQ2 (potassium voltage-gated channel subfamily Q member 2; minus strand). Cytogenetic location: 20q13.33.
Variant type: Duplication.
Coding change: c.330dup on transcript NM_172107.4 (MANE Select); coding-DNA position 330, one base duplicated (T; older notation c.330dupT).
Protein change: p.Val111fs; shifts the reading frame from valine 111.
Molecular consequence: frameshift variant.
Genome position (GRCh38, 1-based): chr20:63,446,804, A duplicated on the plus strand (T on the coding strand, the reverse complement: KCNQ2 is on the minus strand). VCF-style (leftmost placement, unchanged base first): chr20-63446803-C-CA. GRCh37 (hg19) VCF-style: chr20-62078156-C-CA.
Other names: c.330dup, p.Val111fs (NM_001382235.1, NM_004518.6, NM_172106.3 and 2 more transcripts); short protein forms V111fs.
Identifiers: ClinVar variation 2705621 (VCV002705621.3), dbSNP rs2516534141, ClinGen allele CA2697547468.

ClinVar aggregate classification (germline): Pathogenic (1 of 4 stars; one submission).

Conditions:
Early-infantile DEE. Also called: Ohtahara syndrome; Early infantile epileptic encephalopathy with suppression bursts; Early infantile epileptic encephalopathy. Identifiers: Orphanet 1934, MedGen C0393706, MONDO:0800491.

Submission:

Labcorp Genetics (formerly Invitae), Labcorp
Classification: Pathogenic for Early-infantile DEE. Last evaluated: 2023-12-26. Review status: criteria provided, single submitter. Criteria: Invitae Variant Classification Sherloc (09022015). Collection method: clinical testing. Allele origin: germline.
Comment: This sequence change creates a premature translational stop signal (p.Val111Cysfs*9) in the KCNQ2 gene. It is expected to result in an absent or disrupted protein product. Loss-of-function variants in KCNQ2 are known to be pathogenic (PMID: 14534157, 23692823, 27779742). This variant is not present in population databases (gnomAD no frequency). This variant has not been reported in the literature in individuals affected with KCNQ2-related conditions. For these reasons, this variant has been classified as Pathogenic.

Literature cited by the submitters: PubMed 14534157; PubMed 23692823; PubMed 27779742.